The following is an entry in ClinVar:

NM_001002294.3(FMO3):c.94G>A (p.Glu32Lys)

Gene: FMO3 (flavin containing dimethylaniline monoxygenase 3; plus strand). Cytogenetic location: 1q24.3.
Variant type: single nucleotide variant.
Coding change: c.94G>A on transcript NM_001002294.3 (MANE Select); coding-DNA position 94, G replaced by A.
Protein change: p.Glu32Lys; replaces glutamic acid 32 with lysine.
Molecular consequence: missense variant. On other transcripts: 5 prime UTR variant (1).
Genome position (GRCh38, 1-based): chr1:171,092,752, G>A. VCF-style: chr1-171092752-G-A. GRCh37 (hg19) VCF-style: chr1-171061893-G-A.
Other names: c.-94G>A (NM_001319173.2); c.94G>A, p.Glu32Lys (NM_001319174.2, NM_006894.6); short protein forms E32K.
Identifiers: ClinVar variation 16316 (VCV000016316.2), dbSNP rs72549320, ClinGen allele CA257489.

ClinVar aggregate classification (germline): Likely pathogenic. Review status: criteria provided, single submitter (1 of 4 stars). 2 submissions from 2 submitters: Likely pathogenic (1). 1 of the submissions does not count toward it. Last evaluated 2025-05-02.

Conditions:
Trimethylaminuria (TMAU). Also called: FISH-ODOR SYNDROME; Primary Trimethylaminuria; Fish malodor syndrome; Stale fish syndrome; TMAuria. Identifiers: MedGen C0342739, MONDO:0011182, OMIM 602079, HP:0003614. Disease mechanism: loss of function.

Allele frequency attached by ClinVar (database versions not stated): gnomAD exomes 0.00001.

Submissions (2):

Women's Health and Genetics/Laboratory Corporation of America, LabCorp
Classification: Likely pathogenic for Trimethylaminuria. Last evaluated: 2025-05-02. Review status: criteria provided, single submitter. Criteria: LabCorp Variant Classification Summary - May 2015. Collection method: clinical testing. Allele origin: germline.
Comment: Variant summary: FMO3 c.94G>A (p.Glu32Lys) results in a conservative amino acid change in the encoded protein sequence. Algorithms developed to predict the effect of missense changes on protein structure and function are either unavailable or do not agree on the potential impact of this missense change. The variant was absent in 251384 control chromosomes (gnomAD). c.94G>A has been observed in an individual affected with Trimethylaminuria in the heterozygous state without another variant identified in trans (Zhang_2003). This report does not provide unequivocal conclusions about association of the variant with Trimethylaminuria. This publication also reports experimental evidence evaluating an impact on protein function, finding that the variant results in a complete loss of enzymatic activity. The following publication has been ascertained in the context of this evaluation (PMID: 12893987). ClinVar contains an entry for this variant (Variation ID: 16316). Based on the evidence outlined above, the variant was classified as likely pathogenic.

OMIM
Classification: Pathogenic for TRIMETHYLAMINURIA. Last evaluated: 2003-08-01. Review status: no assertion criteria provided. Collection method: literature only. Allele origin: germline. Not counted in ClinVar's aggregate classification.

Literature cited by the submitters: PubMed 12893987 (cited by Women's Health and Genetics/Laboratory Corporation of America, LabCorp and OMIM).